The following is an entry in ClinVar:

NM_152594.3(SPRED1):c.86G>T (p.Gly29Val)

Gene: SPRED1 (sprouty related EVH1 domain containing 1; plus strand). Cytogenetic location: 15q14.
Variant type: single nucleotide variant.
Coding change: c.86G>T on transcript NM_152594.3 (MANE Select); coding-DNA position 86, G replaced by T.
Protein change: p.Gly29Val; replaces glycine 29 with valine.
Molecular consequence: missense variant.
Genome position (GRCh38, 1-based): chr15:38,299,426, G>T. VCF-style: chr15-38299426-G-T. GRCh37 (hg19) VCF-style: chr15-38591627-G-T.
Other names: short protein forms G29V.
Identifiers: ClinVar variation 4686165 (VCV004686165.1).
Genomic context (GRCh38, chr15:38,299,426, plus strand): 5'-ATTTTAGTAATAGTTATGCACGAGTGCGAGCTGTGGTGATGACCCGAGATGACTCAAGTG[G>T]TGGATGGTTACCACTTGGAGGGAGTGGACTAAGCAGCGTCACTGTCTTCAAAGTCCCTCA-3'
Protein context (NP_689807.1, residues 19-39): AVVMTRDDSS[Gly29Val]GWLPLGGSGL

ClinVar aggregate classification (germline): Uncertain significance (1 of 4 stars; one submission).

Submission:

GeneDx
Classification: Uncertain significance. Last evaluated: 2025-07-11. Review status: criteria provided, single submitter. Criteria: GeneDx Variant Classification Process June 2021. Collection method: clinical testing. Allele origin: germline. Affected: yes.
Comment: Not observed at significant frequency in large population cohorts (gnomAD); In silico analysis supports that this missense variant has a deleterious effect on protein structure/function; Has not been previously published as pathogenic or benign to our knowledge